The following is an entry in ClinVar:

ClinVar aggregate classification (germline): Pathogenic (1 of 4 stars; one submission).

Submission:

Quest Diagnostics Nichols Institute San Juan Capistrano
Classification: Pathogenic. Last evaluated: 2023-07-21. Review status: criteria provided, single submitter. Criteria: ACMG/ClinGen CNV Guidelines, 2019. Collection method: clinical testing. Allele origin: unknown.
Comment: This copy number loss involves multiple protein-coding genes and overlaps the 1q21.1 deletion syndromic region (ISCA-37421; OMIM 612474). De novo and inherited deletions of this locus have been associated with a broad range of features (Haldeman-Englert 2015, Wang 2017, Edwards 2021), with incomplete penetrance and variable expressivity. Therefore, this copy number variant is classified as pathogenic. Reference: Haldeman-Englert et al., GeneReviews [2015 Nov 12]. PMID: 21348049; Edwards et al., Am J Med Genet A. 2021 May;185(5):1388-1398. PMID: 33576134; Wang et al., J Gene Med. 2017 Apr;19(4):e2948. PMID: 28220983

GRCh37/hg19 1q21.1-21.2(chr1:144342778-148832359)x1

Genes: ACP6 (acid phosphatase 6, lysophosphatidic; minus strand), ANKRD34A (ankyrin repeat domain 34A; minus strand), ANKRD35 (ankyrin repeat domain 35; minus strand), BCL9 (BCL9 transcription coactivator; plus strand), CD160 (CD160 molecule; plus strand) and 31 more. Cytogenetic location: 1q21.1-21.2.
Variant type: copy number loss.
Change: copy number 1 (one copy instead of two) of chr1:144,342,778-148,832,359 (4.49 Mb, GRCh37 coordinates, 1-based), cytogenetic band 1q21.1-21.2.
Identifiers: ClinVar variation 3391871 (VCV003391871.1).